The following is an entry in ClinVar:

NM_015021.3(ZNF292):c.5520T>C (p.Ile1840=)

Gene: ZNF292 (zinc finger protein 292; plus strand). Cytogenetic location: 6q14.3.
Variant type: single nucleotide variant.
Coding change: c.5520T>C on transcript NM_015021.3 (MANE Select); coding-DNA position 5520, T replaced by C.
Protein change: p.Ile1840=; no amino-acid change (isoleucine 1840 retained).
Molecular consequence: synonymous variant.
Genome position (GRCh38, 1-based): chr6:87,259,149, T>C. VCF-style: chr6-87259149-T-C. GRCh37 (hg19) VCF-style: chr6-87968867-T-C.
Other names: c.5100T>C, p.Ile1700= (NM_001351444.2).
Identifiers: ClinVar variation 2682430 (VCV002682430.1), dbSNP rs373138423, ClinGen allele CA3914494.
Genomic context (GRCh38, chr6:87,259,149, plus strand): 5'-AACAAAAAGTAACATTCCTCAGTCTGAAGTATCACATAAGGAGGATCAAATACAGGAAAT[T>C]TTAGAAGGCTTACAGAAATTAAAATTAGAAAATGACCTATCCACTCCAGCATCCCAATGT-3'
Protein context (NP_055836.1, residues 1830-1850): VSHKEDQIQE[Ile1840=]LEGLQKLKLE

ClinVar aggregate classification (germline): Likely benign (1 of 4 stars; one submission).

Allele frequency attached by ClinVar (database versions not stated): TOPMed 0.00001; ExAC 0.00002; gnomAD 0.00002; ESP Exome Variant Server 0.00008.
gnomAD v4.1: 3 of 1,613,286 alleles (0.00019%); highest among the groups gnomAD compares: African/African-American, 0.004%; no homozygotes.

Submission:

Women's Health and Genetics/Laboratory Corporation of America, LabCorp
Classification: Likely benign. Last evaluated: 2023-11-09. Review status: criteria provided, single submitter. Criteria: LabCorp Variant Classification Summary - May 2015. Collection method: clinical testing. Allele origin: germline.
Comment: Variant summary: ZNF292 c.5520T>C alters a non-conserved nucleotide resulting in a synonymous change. Consensus agreement among computation tools predict no significant impact on normal splicing. However, these predictions have yet to be confirmed by functional studies. The variant allele was found at a frequency of 8.1e-06 in 246622 control chromosomes. The available data on variant occurrences in the general population are insufficient to allow any conclusion about variant significance. To our knowledge, no occurrence of c.5520T>C in individuals affected with Autosomal Dominant Intellectual Developmental Disorder 64 and no experimental evidence demonstrating its impact on protein function have been reported. No submitters have cited clinical-significance assessments for this variant to ClinVar after 2014. Based on the evidence outlined above, the variant was classified as likely benign.